The following is an entry in ClinVar:

NM_002458.3(MUC5B):c.15861A>G (p.Pro5287=)

Gene: MUC5B (mucin 5B, oligomeric mucus/gel-forming; plus strand). Cytogenetic location: 11p15.5.
Variant type: single nucleotide variant.
Coding change: c.15861A>G on transcript NM_002458.3 (MANE Select); coding-DNA position 15861, A replaced by G.
Protein change: p.Pro5287=; no amino-acid change (proline 5287 retained).
Molecular consequence: synonymous variant.
Genome position (GRCh38, 1-based): chr11:1,255,237, A>G. VCF-style: chr11-1255237-A-G. GRCh37 (hg19) VCF-style: chr11-1276467-A-G.
Identifiers: ClinVar variation 178794 (VCV000178794.9), dbSNP rs56344012, ClinGen allele CA183049.
Genomic context (GRCh38, chr11:1,255,237, plus strand): 5'-CCCCACTGCCAGCCCCGCAGCCCCGGTGTCTAGCACACCCACCCCCACCCCATGCCCACC[A>G]CAGCCGCTCTGTGATCTGATGCTGAGCCAGTGAGTCCTCCCCTCGGGGGTTGCAGGCCCT-3'
Protein context (NP_002449.2, residues 5277-5297): SSTPTPTPCP[Pro5287=]QPLCDLMLSQ

ClinVar aggregate classification (germline): Benign/Likely benign. Review status: criteria provided, multiple submitters, no conflicts (2 of 4 stars). 3 submissions from 3 submitters: Benign (1); Likely benign (2). Last evaluated 2014-06-03.

Allele frequency attached by ClinVar (database versions not stated): 1000 Genomes Project 0.01518; gnomAD 0.05630 and 0.05669; 1000 Genomes Project 30x 0.01437; TOPMed 0.01977; gnomAD exomes 0.03695.

Submissions (3):

Eurofins Ntd Llc (ga)
Classification: Likely benign. Last evaluated: 2014-06-03. Review status: criteria provided, single submitter. Criteria: EGL Classification Definitions 2015. Collection method: clinical testing. Allele origin: germline. Observed: 1 variant allele, 1 heterozygote.

Laboratory for Molecular Medicine, Mass General Brigham Personalized Medicine
Classification: Benign. Last evaluated: 2013-02-21. Review status: criteria provided, single submitter. Criteria: LMM Criteria. Collection method: clinical testing. Allele origin: germline. Observed: 7 variant alleles.
Comment: Pro5287Pro in exon 36 of MUC5B: This variant is not expected to have clinical si gnificance because it does not alter an amino acid residue and is not located wi thin the splice consensus sequence. It has been identified in 7.0% (13/186) of F innish chromosomes from a broad population by the 1000 Genomes Project (dbSNP rs56344012).

Breakthrough Genomics
Classification: Likely benign. Review status: criteria provided, single submitter. Criteria: ACMG Guidelines, 2015. Collection method: not provided. Allele origin: germline. Inheritance: Autosomal dominant inheritance. Affected: yes.